The following is an entry in ClinVar:

ClinVar aggregate classification (germline): Uncertain significance (1 of 4 stars; one submission).

Submission:

GeneDx
Classification: Uncertain significance. Last evaluated: 2021-05-19. Review status: criteria provided, single submitter. Criteria: GeneDx Variant Classification Process June 2021. Collection method: clinical testing. Allele origin: germline. Affected: yes.
Comment: Not observed in large population cohorts (Lek et al., 2016); Frameshift variant predicted to result in protein truncation in a gene for which loss-of-function is not a known mechanism of disease; Has not been previously published as pathogenic or benign to our knowledge

NM_014233.4(UBTF):c.2104_2105dup (p.Ser703fs)

Genes: ATXN7L3-AS1 (ATXN7L3 antisense RNA 1; plus strand), UBTF (upstream binding transcription factor; minus strand). Cytogenetic location: 17q21.31.
Variant type: Duplication.
Coding change: c.2104_2105dup on transcript NM_014233.4 (MANE Select); coding-DNA positions 2104 to 2105, 2 bases duplicated (TC; older notation c.2104_2105dupTC).
Protein change: p.Ser703fs; shifts the reading frame from serine 703.
Molecular consequence: frameshift variant. On other transcripts: non-coding transcript variant (1).
Genome position (GRCh38, 1-based): chr17:44,207,518-44,207,519, GA duplicated on the plus strand (TC on the coding strand, the reverse complement: UBTF is on the minus strand); duplicating any 2 consecutive bases within chr17:44,207,518-44,207,520 gives the same sequence; the c. name uses the placement nearest the transcript's 3' end. VCF-style (leftmost placement, unchanged base first): chr17-44207517-G-GGA. GRCh37 (hg19) VCF-style: chr17-42284885-G-GGA.
Other names: c.1993_1994dup, p.Ser666fs (NM_001076683.2, NM_001076684.3); short protein forms S666fs, S703fs.
Identifiers: ClinVar variation 1326217 (VCV001326217.2), dbSNP rs2144522644, ClinGen allele CA2573054452.
Genomic context (GRCh38, chr17:44,207,517, plus strand): 5'-ATCCCCATCCTCGCTCTCGTCCTCGCTGCTGGACTCAGAGGAGTCGCCGCCATCTTCAGA[G>GGA]GAGTCCCCATTCTCATCATCTTCCTCTTCTTCATCCTCGTCCTCGTCATCCTCATCCTCT-3'